The following is an entry in ClinVar:

NM_206933.4(USH2A):c.10209C>A (p.Cys3403Ter)

Gene: USH2A (usherin; minus strand). Cytogenetic location: 1q41.
Variant type: single nucleotide variant.
Coding change: c.10209C>A on transcript NM_206933.4 (MANE Select); coding-DNA position 10209, C replaced by A.
Protein change: p.Cys3403Ter; replaces cysteine 3403 with a stop codon.
Molecular consequence: nonsense.
Genome position (GRCh38, 1-based): chr1:215,786,848, G>T on the plus strand (C>A on the coding strand, the complement: USH2A is on the minus strand). VCF-style: chr1-215786848-G-T. GRCh37 (hg19) VCF-style: chr1-215960190-G-T.
Other names: c.10209C>A (NM_206933.2); short protein forms C3403*.
Identifiers: ClinVar variation 2709893 (VCV002709893.4), dbSNP rs767613433, ClinGen allele CA1394096.

ClinVar aggregate classification (germline): Pathogenic/Likely pathogenic. Review status: criteria provided, multiple submitters, no conflicts (2 of 4 stars). 2 submissions from 2 submitters: Pathogenic (1); Likely pathogenic (1). Last evaluated 2026-07-28.

Conditions:
USH2A-related disorder. Also called: USH2A-related disorders; USH2A-related condition. Identifiers: MedGen CN239332.

Allele frequency attached by ClinVar (database versions not stated): ExAC 0.00001.
gnomAD v4.1: 2 of 1,613,908 alleles (0.00012%); highest among the groups gnomAD compares: Admixed American, 0.0017%; no homozygotes.

Submissions (2):

PreventionGenetics, part of Exact Sciences
Classification: Likely pathogenic for USH2A-related condition. Last evaluated: 2026-07-28. Review status: criteria provided, single submitter. Criteria: ACMG Guidelines, 2015. Collection method: clinical testing. Allele origin: germline.
Comment: The USH2A c.10209C>A variant is predicted to result in premature protein termination (p.Cys3403*). To our knowledge, this variant has not been reported in the literature in individuals with USH2A-related disease. This variant is reported in 0.0029% of alleles in individuals of Latino descent in gnomAD. Nonsense variants in USH2A are expected to be pathogenic. This variant is interpreted as likely pathogenic.

Labcorp Genetics (formerly Invitae), Labcorp
Classification: Pathogenic. Last evaluated: 2024-01-17. Review status: criteria provided, single submitter. Criteria: Invitae Variant Classification Sherloc (09022015). Collection method: clinical testing. Allele origin: germline.
Comment: This sequence change creates a premature translational stop signal (p.Cys3403*) in the USH2A gene. It is expected to result in an absent or disrupted protein product. Loss-of-function variants in USH2A are known to be pathogenic (PMID: 10729113, 10909849, 20507924, 25649381). This variant is present in population databases (rs767613433, gnomAD 0.003%). This variant has not been reported in the literature in individuals affected with USH2A-related conditions. For these reasons, this variant has been classified as Pathogenic.

Literature cited by the submitters: PubMed 10729113 (cited by Labcorp Genetics (formerly Invitae), Labcorp); PubMed 10909849 (cited by Labcorp Genetics (formerly Invitae), Labcorp); PubMed 20507924 (cited by Labcorp Genetics (formerly Invitae), Labcorp); PubMed 25649381 (cited by Labcorp Genetics (formerly Invitae), Labcorp).